The following is an entry in ClinVar:

NM_000302.4(PLOD1):c.1327G>T (p.Val443Phe)

Gene: PLOD1 (procollagen-lysine,2-oxoglutarate 5-dioxygenase 1; plus strand). Cytogenetic location: 1p36.22.
Variant type: single nucleotide variant.
Coding change: c.1327G>T on transcript NM_000302.4 (MANE Select); coding-DNA position 1327, G replaced by T.
Protein change: p.Val443Phe; replaces valine 443 with phenylalanine.
Molecular consequence: missense variant.
Genome position (GRCh38, 1-based): chr1:11,964,299, G>T. VCF-style: chr1-11964299-G-T. GRCh37 (hg19) VCF-style: chr1-12024356-G-T.
Other names: c.1468G>T, p.Val490Phe (NM_001316320.2); short protein forms V490F, V443F.
Identifiers: ClinVar variation 1477860 (VCV001477860.6), dbSNP rs1445338657, ClinGen allele CA338441744.

ClinVar aggregate classification (germline): Uncertain significance (1 of 4 stars; one submission).

Conditions:
Ehlers-Danlos syndrome, kyphoscoliotic type 1 (EDSKSCL1). Also called: EHLERS-DANLOS SYNDROME, OCULAR-SCOLIOTIC TYPE; Ehlers-Danlos syndrome, hydroxylysine-deficient; EHLERS-DANLOS SYNDROME, TYPE VIA; PLOD1-Related Kyphoscoliotic Ehlers-Danlos Syndrome. Identifiers: Orphanet 1900, MedGen C0268342, MONDO:0016002, OMIM 225400. Disease mechanism: loss of function.

gnomAD v4.1: 2 of 1,125,162 alleles (0.00018%); highest among the groups gnomAD compares: Non-Finnish European, 0.00025%; no homozygotes.

Submission:

Labcorp Genetics (formerly Invitae), Labcorp
Classification: Uncertain significance for Ehlers-Danlos syndrome, kyphoscoliotic type 1. Last evaluated: 2021-10-16. Review status: criteria provided, single submitter. Criteria: Invitae Variant Classification Sherloc (09022015). Collection method: clinical testing. Allele origin: germline.
Comment: In summary, the available evidence is currently insufficient to determine the role of this variant in disease. Therefore, it has been classified as a Variant of Uncertain Significance. Algorithms developed to predict the effect of missense changes on protein structure and function are either unavailable or do not agree on the potential impact of this missense change (SIFT: "Deleterious"; PolyPhen-2: "Benign"; Align-GVGD: "Class C0"). This variant has not been reported in the literature in individuals affected with PLOD1-related conditions. This variant is not present in population databases (ExAC no frequency). This sequence change replaces valine with phenylalanine at codon 443 of the PLOD1 protein (p.Val443Phe). The valine residue is highly conserved and there is a small physicochemical difference between valine and phenylalanine.